The following is an entry in ClinVar:

NM_001080449.3(DNA2):c.2965A>C (p.Thr989Pro)

Gene: DNA2 (DNA replication helicase/nuclease 2; minus strand). Cytogenetic location: 10q21.3.
Variant type: single nucleotide variant.
Coding change: c.2965A>C on transcript NM_001080449.3 (MANE Select); coding-DNA position 2965, A replaced by C.
Protein change: p.Thr989Pro; replaces threonine 989 with proline.
Molecular consequence: missense variant. On other transcripts: non-coding transcript variant (1).
Genome position (GRCh38, 1-based): chr10:68,419,036, T>G on the plus strand (A>C on the coding strand, the complement: DNA2 is on the minus strand). VCF-style: chr10-68419036-T-G. GRCh37 (hg19) VCF-style: chr10-70178793-T-G.
Other names: short protein forms T989P.
Identifiers: ClinVar variation 2694943 (VCV002694943.3), dbSNP rs774147958, ClinGen allele CA376840802.

ClinVar aggregate classification (germline): Uncertain significance (1 of 4 stars; one submission).

Submission:

Labcorp Genetics (formerly Invitae), Labcorp
Classification: Uncertain significance. Last evaluated: 2024-07-30. Review status: criteria provided, single submitter. Criteria: Invitae Variant Classification Sherloc (09022015). Collection method: clinical testing. Allele origin: germline.
Comment: This sequence change replaces threonine, which is neutral and polar, with proline, which is neutral and non-polar, at codon 989 of the DNA2 protein (p.Thr989Pro). This variant is not present in population databases (gnomAD no frequency). This variant has not been reported in the literature in individuals affected with DNA2-related conditions. An algorithm developed to predict the effect of missense changes on protein structure and function outputs the following: PolyPhen-2: "Not Available". The proline amino acid residue is found in multiple mammalian species, which suggests that this missense change does not adversely affect protein function. In summary, the available evidence is currently insufficient to determine the role of this variant in disease. Therefore, it has been classified as a Variant of Uncertain Significance.